The following is an entry in ClinVar:

NM_001134407.3(GRIN2A):c.3884T>C (p.Ile1295Thr)

Gene: GRIN2A (glutamate ionotropic receptor NMDA type subunit 2A; minus strand). Cytogenetic location: 16p13.2.
Variant type: single nucleotide variant.
Coding change: c.3884T>C on transcript NM_001134407.3 (MANE Select); coding-DNA position 3884, T replaced by C.
Protein change: p.Ile1295Thr; replaces isoleucine 1295 with threonine.
Molecular consequence: missense variant. On other transcripts: intron variant (1).
Genome position (GRCh38, 1-based): chr16:9,763,660, A>G on the plus strand (T>C on the coding strand, the complement: GRIN2A is on the minus strand). VCF-style: chr16-9763660-A-G. GRCh37 (hg19) VCF-style: chr16-9857517-A-G.
Other names: p.I1295T:ATT>ACT; c.3884T>C, p.Ile1295Thr (NM_000833.5); c.3772+112T>C (NM_001134408.2); short protein forms I1295T.
Identifiers: ClinVar variation 205680 (VCV000205680.26), dbSNP rs757351084, ClinGen allele CA314992.

ClinVar aggregate classification (germline): Conflicting classifications of pathogenicity. Review status: criteria provided, conflicting classifications (1 of 4 stars). 6 submissions from 6 submitters: Uncertain significance (4); Likely benign (2). Last evaluated 2026-04-01.

Conditions:
Landau-Kleffner syndrome (FESD). Also called: APHASIA, ACQUIRED, WITH EPILEPSY; EPILEPSY, FOCAL, WITH SPEECH DISORDER AND WITH OR WITHOUT MENTAL RETARDATION. Identifiers: Orphanet 1945, Orphanet 725, Orphanet 98818, MedGen C0282512, MONDO:0009509, OMIM 245570.

Allele frequency attached by ClinVar (database versions not stated): gnomAD exomes 0.00004; ExAC 0.00006; TOPMed 0.00006.
gnomAD v4.1: 70 of 1,613,510 alleles (0.0043%); highest among the groups gnomAD compares: Non-Finnish European, 0.0053%; no homozygotes.

Submissions (6):

CeGaT Center for Human Genetics Tuebingen
Classification: Uncertain significance. Last evaluated: 2026-04-01. Review status: criteria provided, single submitter. Criteria: CeGaT Center For Human Genetics Tuebingen Variant Classification Criteria Version 2. Collection method: clinical testing. Allele origin: germline. Affected: yes. Observed: 1 variant allele.
Comment: GRIN2A: PM2

Labcorp Genetics (formerly Invitae), Labcorp
Classification: Likely benign for Landau-Kleffner syndrome. Last evaluated: 2025-05-26. Review status: criteria provided, single submitter. Criteria: Invitae Variant Classification Sherloc (09022015). Collection method: clinical testing. Allele origin: germline.

ARUP Laboratories, Molecular Genetics and Genomics, ARUP Laboratories
Classification: Uncertain significance for Landau-Kleffner syndrome. Last evaluated: 2021-02-04. Review status: criteria provided, single submitter. Criteria: ARUP Molecular Germline Variant Investigation Process 2021. Collection method: clinical testing. Allele origin: germline.

Revvity Omics, Revvity
Classification: Uncertain significance for Landau-Kleffner syndrome. Last evaluated: 2020-09-15. Review status: criteria provided, single submitter. Criteria: ACMG Guidelines, 2015. Collection method: clinical testing. Allele origin: germline.

Illumina Laboratory Services, Illumina
Classification: Likely benign for Landau-Kleffner syndrome. Last evaluated: 2018-01-13. Review status: criteria provided, single submitter. Criteria: ICSL Variant Classification Criteria 13 December 2019. Collection method: clinical testing. Allele origin: germline.
Comment: This variant was observed in the ICSL laboratory as part of a predisposition screen in an ostensibly healthy population. It had not been previously curated by ICSL or reported in the Human Gene Mutation Database (HGMD: prior to June 1st, 2018), and was therefore a candidate for classification through an automated scoring system. Utilizing variant allele frequency, disease prevalence and penetrance estimates, and inheritance mode, an automated score was calculated to assess if this variant is too frequent to cause the disease. Based on the score and internal cut-off values, a variant classified as likely benign is not then subjected to further curation. The score for this variant resulted in a classification of likely benign for this disease.

GeneDx
Classification: Uncertain significance. Last evaluated: 2016-12-05. Review status: criteria provided, single submitter. Criteria: GeneDx Variant Classification (06012015). Collection method: clinical testing. Allele origin: germline. Affected: yes.
Comment: A variant of uncertain significance has been identified in the GRIN2A gene. The I1295T variant in the GRIN2A gene has been reported previously as a de novo variant in an individual with schizophrenia (Fromer et al., 2014). The I1295T variant is not observed at a significant frequency in large population cohorts (Lek et al., 2016; 1000 Genomes Consortium et al., 2015; Exome Variant Server). The I1295T variant is a non-conservative amino acid substitution, which is likely to impact secondary protein structure as these residues differ in polarity, charge, size, and/or other properties. This substitution occurs at a position that is conserved across species. In silico analysis is inconsistent in its predictions as to whether or not the variant is damaging to the protein structure/function. Based on the currently available information, it is unclear whether this variant is a pathogenic variant or a rare benign variant.